The following is an entry in ClinVar:

NM_001605.3(AARS1):c.2306G>C (p.Ser769Thr)

Gene: AARS1 (alanyl-tRNA synthetase 1; minus strand). Cytogenetic location: 16q22.1.
Variant type: single nucleotide variant.
Coding change: c.2306G>C on transcript NM_001605.3 (MANE Select); coding-DNA position 2306, G replaced by C.
Protein change: p.Ser769Thr; replaces serine 769 with threonine.
Molecular consequence: missense variant.
Genome position (GRCh38, 1-based): chr16:70,254,715, C>G on the plus strand (G>C on the coding strand, the complement: AARS1 is on the minus strand). VCF-style: chr16-70254715-C-G. GRCh37 (hg19) VCF-style: chr16-70288618-C-G.
Other names: short protein forms S769T.
Identifiers: ClinVar variation 948460 (VCV000948460.10), dbSNP rs377051192, ClinGen allele CA8140466.

ClinVar aggregate classification (germline): Conflicting classifications of pathogenicity. Review status: criteria provided, conflicting classifications (1 of 4 stars). 3 submissions from 3 submitters: Uncertain significance (2); Likely benign (1). Last evaluated 2026-03-18.

Conditions:
Inborn genetic diseases. Identifiers: MedGen C0950123, MeSH D030342.
AARS1-related disorder. Also called: AARS1-related condition.
Charcot-Marie-Tooth disease type 2. Also called: Charcot-Marie-Tooth type 2. Identifiers: Orphanet 64746, MedGen C0270914, MONDO:0018993.

Allele frequency attached by ClinVar (database versions not stated): gnomAD exomes 0.00003 and 0.00001; ESP Exome Variant Server 0.00008; ExAC 0.00002; TOPMed 0.00002.
gnomAD v4.1: 19 of 1,613,884 alleles (0.0012%); highest among the groups gnomAD compares: Admixed American, 0.0033%; no homozygotes.

Submissions (3):

PreventionGenetics, part of Exact Sciences
Classification: Uncertain significance for AARS1-related condition. Last evaluated: 2026-03-18. Review status: criteria provided, single submitter. Criteria: ACMG Guidelines, 2015. Collection method: clinical testing. Allele origin: germline.
Comment: The AARS1 c.2306G>C variant is predicted to result in the amino acid substitution p.Ser769Thr. To our knowledge, this variant has not been reported in the literature. This variant is reported in 0.040% of alleles in individuals of Ashkenazi Jewish descent in gnomAD. At this time, the clinical significance of this variant is uncertain due to the absence of conclusive functional and genetic evidence.

Labcorp Genetics (formerly Invitae), Labcorp
Classification: Likely benign for Charcot-Marie-Tooth disease type 2. Last evaluated: 2025-12-26. Review status: criteria provided, single submitter. Criteria: Invitae Variant Classification Sherloc (09022015). Collection method: clinical testing. Allele origin: germline.

Ambry Genetics
Classification: Uncertain significance for Inborn genetic diseases. Last evaluated: 2025-12-16. Review status: criteria provided, single submitter. Criteria: Ambry Variant Classification Scheme 2023. Collection method: clinical testing. Allele origin: germline.